The following is an entry in ClinVar:

ClinVar aggregate classification (germline): Likely pathogenic (1 of 4 stars; one submission).

Conditions:
SKIN/HAIR/EYE PIGMENTATION, VARIATION IN, 10 (SHEP10). Also called: SKIN/HAIR/EYE PIGMENTATION 10, BLOND/BROWN HAIR. Identifiers: MedGen C2677088, OMIM 612267.

gnomAD v4.1: 4 of 1,613,922 alleles (0.00025%); highest among the groups gnomAD compares: South Asian, 0.0011%; no homozygotes.

Submission:

Laboratoire de Génétique Moléculaire, CHU Bordeaux
Classification: Likely pathogenic for SKIN/HAIR/EYE PIGMENTATION, VARIATION IN, 10. Last evaluated: 2024-11-15. Review status: criteria provided, single submitter. Criteria: ACMG Guidelines, 2015. Collection method: clinical testing. Allele origin: de novo. Inheritance: Autosomal dominant inheritance. Affected: yes. Observed: 1 heterozygote.
Comment: Variant was already reported by Wang et al., Nat Commun 2023 in a patient presenting with hypopigmentation (PMID 36641477).

Literature cited by the submitters: PubMed 36641477.

NM_139075.4(TPCN2):c.628C>T (p.Arg210Cys)

Gene: TPCN2 (two pore segment channel 2; plus strand). Cytogenetic location: 11q13.3.
Variant type: single nucleotide variant.
Coding change: c.628C>T on transcript NM_139075.4 (MANE Select); coding-DNA position 628, C replaced by T.
Protein change: p.Arg210Cys; replaces arginine 210 with cysteine.
Molecular consequence: missense variant.
Genome position (GRCh38, 1-based): chr11:69,062,965, C>T. VCF-style: chr11-69062965-C-T. GRCh37 (hg19) VCF-style: chr11-68830433-C-T.
Other names: short protein forms R210C.
Identifiers: ClinVar variation 3377525 (VCV003377525.2).